The following is an entry in ClinVar:

NM_000090.4(COL3A1):c.2588G>A (p.Arg863His)

Gene: COL3A1 (collagen type III alpha 1 chain; plus strand). Cytogenetic location: 2q32.2.
Variant type: single nucleotide variant.
Coding change: c.2588G>A on transcript NM_000090.4 (MANE Select); coding-DNA position 2588, G replaced by A.
Protein change: p.Arg863His; replaces arginine 863 with histidine.
Molecular consequence: missense variant.
Genome position (GRCh38, 1-based): chr2:189,003,445, G>A. VCF-style: chr2-189003445-G-A. GRCh37 (hg19) VCF-style: chr2-189868171-G-A.
Other names: short protein forms R863H.
Identifiers: ClinVar variation 919286 (VCV000919286.14), dbSNP rs755762264, ClinGen allele CA075416.

ClinVar aggregate classification (germline): Uncertain significance. Review status: criteria provided, multiple submitters, no conflicts (2 of 4 stars). 5 submissions from 5 submitters: Uncertain significance (5). Last evaluated 2025-03-24.

Conditions:
Ehlers-Danlos syndrome, type 4 (EDSVASC). Also called: Ehlers-Danlos Syndrome Type IV; Ehlers-Danlos syndrome vascular type; Ehlers Danlos syndrome, ecchymotic type; Ehlers Danlos syndrome, arterial type; Ehlers Danlos syndrome, Sack-Barabas type. Identifiers: Orphanet 286, MedGen C0268338, MONDO:0017314, OMIM 130050.
Familial thoracic aortic aneurysm and aortic dissection (TAAD). Also called: Thoracic aortic aneurysms and dissections. Identifiers: Orphanet 91387, MedGen C4707243, MONDO:0019625.

Allele frequency attached by ClinVar (database versions not stated): ExAC 0.00001.
gnomAD v4.1: 18 of 1,613,816 alleles (0.0011%); highest among the groups gnomAD compares: South Asian, 0.011%; no homozygotes.

Submissions (5):

Color Diagnostics, LLC DBA Color Health
Classification: Uncertain significance for Familial thoracic aortic aneurysm and aortic dissection. Last evaluated: 2025-03-24. Review status: criteria provided, single submitter. Criteria: ACMG Guidelines, 2015. Collection method: clinical testing. Allele origin: germline.
Comment: This missense variant replaces arginine with histidine at codon 863 of the COL3A1 protein. Computational prediction is inconclusive regarding the impact of this variant on protein structure and function (internally defined REVEL score threshold 0.5 < inconclusive < 0.7, PMID: 27666373). To our knowledge, functional studies have not been performed for this variant. This variant has not been reported in individuals affected with cardiovascular disorders in the literature. This variant has been identified in 2/251324 chromosomes in the general population by the Genome Aggregation Database (gnomAD). The available evidence is insufficient to determine the role of this variant in disease conclusively. Therefore, this variant is classified as a Variant of Uncertain Significance.

Labcorp Genetics (formerly Invitae), Labcorp
Classification: Uncertain significance for Ehlers-Danlos syndrome, type 4. Last evaluated: 2024-03-28. Review status: criteria provided, single submitter. Criteria: Invitae Variant Classification Sherloc (09022015). Collection method: clinical testing. Allele origin: germline.
Comment: This sequence change replaces arginine, which is basic and polar, with histidine, which is basic and polar, at codon 863 of the COL3A1 protein (p.Arg863His). This variant is present in population databases (rs755762264, gnomAD 0.007%). This variant has not been reported in the literature in individuals affected with COL3A1-related conditions. ClinVar contains an entry for this variant (Variation ID: 919286). Advanced modeling of protein sequence and biophysical properties (such as structural, functional, and spatial information, amino acid conservation, physicochemical variation, residue mobility, and thermodynamic stability) has been performed at Invitae for this missense variant, however the output from this modeling did not meet the statistical confidence thresholds required to predict the impact of this variant on COL3A1 protein function. In summary, the available evidence is currently insufficient to determine the role of this variant in disease. Therefore, it has been classified as a Variant of Uncertain Significance.

All of Us Research Program, National Institutes of Health
Classification: Uncertain significance for Ehlers-Danlos syndrome, type 4. Last evaluated: 2024-02-05. Review status: criteria provided, single submitter. Criteria: ACMG Guidelines, 2015. Collection method: clinical testing. Allele origin: germline. Inheritance: Autosomal dominant inheritance. Observed: 4 variant alleles, 4 heterozygotes.
Comment: This missense variant replaces arginine with histidine at codon 863 of the COL3A1 protein. Computational prediction is inconclusive regarding the impact of this variant on protein structure and function (internally defined REVEL score threshold 0.5 < inconclusive < 0.7, PMID: 27666373). To our knowledge, functional studies have not been performed for this variant. This variant has not been reported in individuals affected with cardiovascular disorders in the literature. This variant has been identified in 2/251324 chromosomes in the general population by the Genome Aggregation Database (gnomAD). The available evidence is insufficient to determine the role of this variant in disease conclusively. Therefore, this variant is classified as a Variant of Uncertain Significance.

This study involves interpretation of variants in research participants for the purpose of population health screening. Participant phenotype was not available at the time of variant classification. Additional details can be found in publication PMID: 35346344, PMCID: PMC8962531

Blueprint Genetics
Classification: Uncertain significance. Last evaluated: 2023-03-15. Review status: criteria provided, single submitter. Criteria: ACMG Guidelines, 2015. Collection method: clinical testing. Allele origin: germline.

Human Genome Sequencing Center Clinical Lab, Baylor College of Medicine
Classification: Uncertain significance for Vascular Ehlers-Danlos syndrome. Review status: criteria provided, single submitter. Criteria: ACMG Guidelines, 2015. Collection method: clinical testing. Allele origin: germline.